The following is an entry in ClinVar:

NM_015100.4(POGZ):c.2889_2913del (p.Gly965fs)

Gene: POGZ (pogo transposable element derived with ZNF domain; minus strand). Cytogenetic location: 1q21.3.
Variant type: Deletion.
Coding change: c.2889_2913del on transcript NM_015100.4 (MANE Select); coding-DNA positions 2889 to 2913, 25 bases deleted (TAGTGGTGGAGTTGGCAAAAAGGAG).
Protein change: p.Gly965fs; shifts the reading frame from glycine 965.
Molecular consequence: frameshift variant.
Genome position (GRCh38, 1-based): chr1:151,406,122-151,406,146, CTCCTTTTTGCCAACTCCACCACTA deleted on the plus strand (TAGTGGTGGAGTTGGCAAAAAGGAG on the coding strand, the reverse complement: POGZ is on the minus strand); deleting any 25 consecutive bases within chr1:151,406,122-151,406,147 gives the same sequence; the c. name uses the placement nearest the transcript's 3' end. VCF-style (leftmost placement, unchanged base first): chr1-151406121-GCTCCTTTTTGCCAACTCCACCACTA-G. GRCh37 (hg19) VCF-style: chr1-151378597-GCTCCTTTTTGCCAACTCCACCACTA-G.
Other names: c.2862_2886del, p.Gly956fs (NM_001194937.2); c.2703_2727del, p.Gly903fs (NM_001194938.2); c.2910_2934del, p.Gly972fs (NM_001410860.1); c.2604_2628del, p.Gly870fs (NM_145796.4); c.2730_2754del, p.Gly912fs (NM_207171.2); short protein forms G870fs, G903fs, G912fs, G956fs, G965fs, G972fs.
Identifiers: ClinVar variation 3375546 (VCV003375546.1).

ClinVar aggregate classification (germline): Pathogenic (1 of 4 stars; one submission).

Submission:

GeneDx
Classification: Pathogenic. Last evaluated: 2024-05-06. Review status: criteria provided, single submitter. Criteria: GeneDx Variant Classification Process June 2021. Collection method: clinical testing. Allele origin: germline. Affected: yes.
Comment: Frameshift variant predicted to result in abnormal protein length as the last 446 amino acids are replaced with 2 different amino acids, and other similar variants have been reported in HGMD; Not observed at significant frequency in large population cohorts (gnomAD); Has not been previously published as pathogenic or benign to our knowledge